The following is an entry in ClinVar:

ClinVar aggregate classification (germline): Uncertain significance. Review status: criteria provided, multiple submitters, no conflicts (2 of 4 stars). 3 submissions from 3 submitters: Uncertain significance (3). Last evaluated 2025-09-28.

Conditions:
ALG9 congenital disorder of glycosylation (CDG1L). Also called: CONGENITAL DISORDER OF GLYCOSYLATION, TYPE Il; ALG9-CDG; CDG Il. Identifiers: Orphanet 79328, MedGen C2931006, MONDO:0012117, OMIM 608776.
Cutis laxa with osteodystrophy (ARCL2A). Also called: CUTIS LAXA, AUTOSOMAL RECESSIVE, TYPE IIA; Debré-Type Cutis Laxa; CUTIS LAXA WITH CONGENITAL DISORDER OF GLYCOSYLATION; Autosomal recessive cutis laxa type 2A; CUTIS LAXA WITH BONE DYSTROPHY; CUTIS LAXA WITH GROWTH AND DEVELOPMENTAL DELAY. Identifiers: Orphanet 357058, MedGen C0268355, MONDO:0018163, OMIM 219200. Disease mechanism: loss of function.

gnomAD v4.1: 44 of 1,614,126 alleles (0.0027%); highest among the groups gnomAD compares: Non-Finnish European, 0.0031%; no homozygotes.

Submissions (3):

Labcorp Genetics (formerly Invitae), Labcorp
Classification: Uncertain significance for ALG9 congenital disorder of glycosylation. Last evaluated: 2025-09-28. Review status: criteria provided, single submitter. Criteria: Invitae Variant Classification Sherloc (09022015). Collection method: clinical testing. Allele origin: germline.
Comment: This sequence change replaces valine, which is neutral and non-polar, with phenylalanine, which is neutral and non-polar, at codon 611 of the ATP6V0A2 protein (p.Val611Phe). This variant is present in population databases (rs141345960, gnomAD 0.002%). This variant has not been reported in the literature in individuals affected with ATP6V0A2-related conditions. ClinVar contains an entry for this variant (Variation ID: 3774994). Invitae Evidence Modeling of protein sequence and biophysical properties (such as structural, functional, and spatial information, amino acid conservation, physicochemical variation, residue mobility, and thermodynamic stability) indicates that this missense variant is not expected to disrupt ATP6V0A2 protein function with a negative predictive value of 80%. In summary, the available evidence is currently insufficient to determine the role of this variant in disease. Therefore, it has been classified as a Variant of Uncertain Significance.

GeneDx
Classification: Uncertain significance. Last evaluated: 2024-09-30. Review status: criteria provided, single submitter. Criteria: GeneDx Variant Classification Process June 2021. Collection method: clinical testing. Allele origin: germline. Affected: yes.
Comment: Not observed at significant frequency in large population cohorts (gnomAD); In silico analysis indicates that this missense variant does not alter protein structure/function; Has not been previously published as pathogenic or benign to our knowledge

Department of Pathology and Laboratory Medicine, Sinai Health System
Classification: Uncertain significance for autosomal recessive cutis laxa type 2A. Last evaluated: 2022-01-17. Review status: criteria provided, single submitter. Criteria: ACMG Guidelines, 2015. Collection method: research. Allele origin: germline.

NM_012463.4(ATP6V0A2):c.1831G>T (p.Val611Phe)

Genes: ATP6V0A2 (ATPase H+ transporting V0 subunit a2; plus strand), LOC126861666 (CDK7 strongly-dependent group 2 enhancer GRCh37_chr12:124232793-124233992; plus strand). Cytogenetic location: 12q24.31.
Variant type: single nucleotide variant.
Coding change: c.1831G>T on transcript NM_012463.4 (MANE Select); coding-DNA position 1831, G replaced by T.
Protein change: p.Val611Phe; replaces valine 611 with phenylalanine.
Molecular consequence: missense variant.
Genome position (GRCh38, 1-based): chr12:123,748,681, G>T. VCF-style: chr12-123748681-G-T. GRCh37 (hg19) VCF-style: chr12-124233228-G-T.
Other names: short protein forms V611F.
Identifiers: ClinVar variation 3774994 (VCV003774994.3).